The following is an entry in ClinVar:

ClinVar aggregate classification (germline): Uncertain significance (1 of 4 stars; one submission).

Submission:

Ambry Genetics
Classification: Uncertain significance. Last evaluated: 2018-01-23. Review status: criteria provided, single submitter. Criteria: Ambry Variant Classification Scheme 2023. Collection method: clinical testing. Allele origin: germline.
Comment: The p.N158K variant (also known as c.474C>G), located in coding exon 6 of the KATNAL2 gene, results from a C to G substitution at nucleotide position 474. The asparagine at codon 158 is replaced by lysine, an amino acid with similar properties. This amino acid position is not well conserved in available vertebrate species. In addition, the in silico prediction for this alteration is inconclusive. Since supporting evidence is limited at this time, the clinical significance of this alteration remains unclear.

NM_001387690.1(KATNAL2):c.690C>G (p.Asn230Lys)

Gene: KATNAL2 (katanin catalytic subunit A1 like 2; plus strand). Cytogenetic location: 18q21.1.
Variant type: single nucleotide variant.
Coding change: c.690C>G on transcript NM_001387690.1 (MANE Select); coding-DNA position 690, C replaced by G.
Protein change: p.Asn230Lys; replaces asparagine 230 with lysine.
Molecular consequence: missense variant. On other transcripts: non-coding transcript variant (1).
Genome position (GRCh38, 1-based): chr18:47,063,325, C>G. VCF-style: chr18-47063325-C-G. GRCh37 (hg19) VCF-style: chr18-44589696-C-G.
Other names: c.768C>G, p.Asn256Lys (NM_001353899.1, NM_001353902.1); c.765C>G, p.Asn255Lys (NM_001353900.1); c.690C>G, p.Asn230Lys (NM_001353901.1, NM_001367621.1); c.357C>G, p.Asn119Lys (NM_001353903.1, NM_001353904.1, NM_001353905.1 and 4 more transcripts); c.474C>G, p.Asn158Lys (NM_031303.3); short protein forms N119K, N230K, N158K, N255K, N256K.
Identifiers: ClinVar variation 1742822 (VCV001742822.2), dbSNP rs1183504071, ClinGen allele CA402407776.